The following is an entry in ClinVar:

ClinVar aggregate classification (germline): Benign/Likely benign. Review status: criteria provided, multiple submitters, no conflicts (2 of 4 stars). 5 submissions from 5 submitters: Benign (3); Likely benign (2). Last evaluated 2026-01-19.

Conditions:
Idiopathic basal ganglia calcification 1 (PFBC1A). Also called: Familial Idiopathic Basal Ganglia Calcification 2; Familial Idiopathic Basal Ganglia Calcification 3; Primary Familial Brain Calcification; PRIMARY FAMILIAL BRAIN CALCIFICATION 1A, AUTOSOMAL DOMINANT; Fahr's syndrome; Cerebral calcification nonarteriosclerotic idiopathic adult-onset. Identifiers: Orphanet 1980, MedGen C4551624, MONDO:0024538, OMIM 213600.

Allele frequency attached by ClinVar (database versions not stated): ExAC 0.00053; 1000 Genomes Project 0.00220; gnomAD exomes 0.00052; 1000 Genomes Project 30x 0.00187; gnomAD 0.00199 and 0.00212; ESP Exome Variant Server 0.00215; TOPMed 0.00225.
gnomAD v4.1: 679 of 1,614,164 alleles (0.042%); highest among the groups gnomAD compares: African/African-American, 0.69%; 4 homozygotes.

Submissions (5):

Labcorp Genetics (formerly Invitae), Labcorp
Classification: Benign. Last evaluated: 2026-01-19. Review status: criteria provided, single submitter. Criteria: Invitae Variant Classification Sherloc (09022015). Collection method: clinical testing. Allele origin: germline.

CeGaT Center for Human Genetics Tuebingen
Classification: Likely benign. Last evaluated: 2025-10-01. Review status: criteria provided, single submitter. Criteria: CeGaT Center For Human Genetics Tuebingen Variant Classification Criteria Version 2. Collection method: clinical testing. Allele origin: germline. Affected: yes. Observed: 2 variant alleles.
Comment: SLC20A2: BP4, BP7

Blueprint Genetics
Classification: Likely benign. Last evaluated: 2024-11-20. Review status: criteria provided, single submitter. Criteria: ACMG Guidelines, 2015. Collection method: clinical testing. Allele origin: germline.

Illumina Laboratory Services, Illumina
Classification: Benign for Idiopathic basal ganglia calcification 1. Last evaluated: 2018-01-13. Review status: criteria provided, single submitter. Criteria: ICSL Variant Classification Criteria 13 December 2019. Collection method: clinical testing. Allele origin: germline.
Comment: This variant was observed in the ICSL laboratory as part of a predisposition screen in an ostensibly healthy population. It had not been previously curated by ICSL or reported in the Human Gene Mutation Database (HGMD: prior to June 1st, 2018), and was therefore a candidate for classification through an automated scoring system. Utilizing variant allele frequency, disease prevalence and penetrance estimates, and inheritance mode, an automated score was calculated to assess if this variant is too frequent to cause the disease. Based on the score and internal cut-off values, a variant classified as benign is not then subjected to further curation. The score for this variant resulted in a classification of benign for this disease.

Breakthrough Genomics
Classification: Benign. Review status: criteria provided, single submitter. Criteria: ACMG Guidelines, 2015. Collection method: not provided. Allele origin: germline. Inheritance: Autosomal dominant inheritance. Affected: yes.

NM_001257180.2(SLC20A2):c.1134G>T (p.Arg378=)

Gene: SLC20A2 (solute carrier family 20 member 2; minus strand). Cytogenetic location: 8p11.21.
Variant type: single nucleotide variant.
Coding change: c.1134G>T on transcript NM_001257180.2 (MANE Select); coding-DNA position 1134, G replaced by T.
Protein change: p.Arg378=; no amino-acid change (arginine 378 retained).
Molecular consequence: synonymous variant.
Genome position (GRCh38, 1-based): chr8:42,437,378, C>A on the plus strand (G>T on the coding strand, the complement: SLC20A2 is on the minus strand). VCF-style: chr8-42437378-C-A. GRCh37 (hg19) VCF-style: chr8-42294896-C-A.
Other names: c.1134G>T, p.Arg378= (NM_001257181.2, NM_006749.5).
Identifiers: ClinVar variation 363075 (VCV000363075.38), dbSNP rs114636687, ClinGen allele CA4733377.
Genomic context (GRCh38, chr8:42,437,378, plus strand): 5'-CACTGGCAGCCCACAAATGGCTGCGGTGTAGCAGGTGTAACTGTTGTTTCGGCGCAGCAG[C>A]CGGTAGTTGCTTTCCTGGGCTGGCTTCTCCTCGGGGCCCCTGTCGATGTGGATTTTGTGC-3'
Protein context (NP_001244109.1, residues 368-388): EEKPAQESNY[Arg378=]LLRRNNSYTC